The following is an entry in ClinVar:

ClinVar aggregate classification (germline): Uncertain significance (1 of 4 stars; one submission).

Conditions:
Charcot-Marie-Tooth disease type 2. Also called: Charcot-Marie-Tooth type 2. Identifiers: Orphanet 64746, MedGen C0270914, MONDO:0018993.

gnomAD v4.1: 2 of 1,614,008 alleles (0.00012%); highest among the groups gnomAD compares: Admixed American, 0.0017%; no homozygotes.

Submission:

Labcorp Genetics (formerly Invitae), Labcorp
Classification: Uncertain significance for Charcot-Marie-Tooth disease type 2. Last evaluated: 2022-08-23. Review status: criteria provided, single submitter. Criteria: Invitae Variant Classification Sherloc (09022015). Collection method: clinical testing. Allele origin: germline.
Comment: This variant has not been reported in the literature in individuals affected with AARS-related conditions. This variant is not present in population databases (gnomAD no frequency). This sequence change replaces proline, which is neutral and non-polar, with alanine, which is neutral and non-polar, at codon 278 of the AARS protein (p.Pro278Ala). ClinVar contains an entry for this variant (Variation ID: 1682274). Algorithms developed to predict the effect of missense changes on protein structure and function (SIFT, PolyPhen-2, Align-GVGD) all suggest that this variant is likely to be tolerated. In summary, the available evidence is currently insufficient to determine the role of this variant in disease. Therefore, it has been classified as a Variant of Uncertain Significance.

NM_001605.3(AARS1):c.832C>G (p.Pro278Ala)

Gene: AARS1 (alanyl-tRNA synthetase 1; minus strand). Cytogenetic location: 16q22.1.
Variant type: single nucleotide variant.
Coding change: c.832C>G on transcript NM_001605.3 (MANE Select); coding-DNA position 832, C replaced by G.
Protein change: p.Pro278Ala; replaces proline 278 with alanine.
Molecular consequence: missense variant.
Genome position (GRCh38, 1-based): chr16:70,269,748, G>C on the plus strand (C>G on the coding strand, the complement: AARS1 is on the minus strand). VCF-style: chr16-70269748-G-C. GRCh37 (hg19) VCF-style: chr16-70303651-G-C.
Other names: short protein forms P278A.
Identifiers: ClinVar variation 1682274 (VCV001682274.8), dbSNP rs1251770154, ClinGen allele CA396564914.